The following is an entry in ClinVar:

ClinVar aggregate classification (germline): Likely pathogenic (1 of 4 stars; one submission).

Conditions:
Glycogen storage disease, type II (IOPD). Also called: Glucosidase acid-1,4-alpha deficiency; POMPE DISEASE, INFANTILE-ONSET; GLYCOGEN STORAGE DISEASE II, INFANTILE-ONSET; ACID ALPHA-GLUCOSIDASE DEFICIENCY, INFANTILE-ONSET; GAA DEFICIENCY, INFANTILE-ONSET; ACID MALTASE DEFICIENCY, INFANTILE-ONSET. Identifiers: Orphanet 365, MedGen C0017921, MONDO:0009290, OMIM 232300.

Submission:

Labcorp Genetics (formerly Invitae), Labcorp
Classification: Likely pathogenic for Glycogen storage disease, type II. Last evaluated: 2021-08-27. Review status: criteria provided, single submitter. Criteria: Invitae Variant Classification Sherloc (09022015). Collection method: clinical testing. Allele origin: germline.
Comment: In summary, the currently available evidence indicates that the variant is pathogenic, but additional data are needed to prove that conclusively. Therefore, this variant has been classified as Likely Pathogenic. This variant disrupts the p.Gly335 amino acid residue in GAA. Other variant(s) that disrupt this residue have been determined to be pathogenic (PMID: 22644586, 31510962). This suggests that this residue is clinically significant, and that variants that disrupt this residue are likely to be disease-causing. Advanced modeling of protein sequence and biophysical properties (such as structural, functional, and spatial information, amino acid conservation, physicochemical variation, residue mobility, and thermodynamic stability) performed at Invitae indicates that this missense variant is expected to disrupt GAA protein function. This variant has not been reported in the literature in individuals affected with GAA-related conditions. This variant is not present in population databases (ExAC no frequency). This sequence change replaces glycine with tryptophan at codon 335 of the GAA protein (p.Gly335Trp). The glycine residue is highly conserved and there is a large physicochemical difference between glycine and tryptophan.

Literature cited by the submitters: PubMed 22644586; PubMed 31510962.

NM_000152.5(GAA):c.1003G>T (p.Gly335Trp)

Gene: GAA (alpha glucosidase; plus strand). Cytogenetic location: 17q25.3.
Variant type: single nucleotide variant.
Coding change: c.1003G>T on transcript NM_000152.5 (MANE Select); coding-DNA position 1003, G replaced by T.
Protein change: p.Gly335Trp; replaces glycine 335 with tryptophan.
Molecular consequence: missense variant.
Genome position (GRCh38, 1-based): chr17:80,108,337, G>T. VCF-style: chr17-80108337-G-T. GRCh37 (hg19) VCF-style: chr17-78082136-G-T.
Other names: c.1003G>T, p.Gly335Trp (NM_001079803.3, NM_001079804.3); short protein forms G335W.
Identifiers: ClinVar variation 1346780 (VCV001346780.6), dbSNP rs202095215, ClinGen allele CA401364543.